The following is an entry in ClinVar:

NM_000051.4(ATM):c.5918+16A>G

Genes: ATM (ATM serine/threonine kinase; plus strand), C11orf65 (chromosome 11 open reading frame 65; minus strand). Cytogenetic location: 11q22.3.
Variant type: single nucleotide variant.
Coding change: c.5918+16A>G on transcript NM_000051.4 (MANE Select); 16 bases into the intron after coding-DNA position 5918, A replaced by G.
Molecular consequence: intron variant.
Genome position (GRCh38, 1-based): chr11:108,310,331, A>G. VCF-style: chr11-108310331-A-G. GRCh37 (hg19) VCF-style: chr11-108181058-A-G.
Other names: c.5918+16A>G (NM_001351834.2); c.641-1260T>C (NM_001330368.2); c.*39-1260T>C (NM_001351110.2).
Identifiers: ClinVar variation 377519 (VCV000377519.14), dbSNP rs3092911, ClinGen allele CA6265794.

ClinVar aggregate classification (germline): Benign/Likely benign. Review status: criteria provided, multiple submitters, no conflicts (2 of 4 stars). 6 submissions from 6 submitters: Benign (1); Likely benign (4). 1 of the submissions does not count toward it. Last evaluated 2026-01-25.

Conditions:
Familial cancer of breast. Also called: hereditary breast carcinoma; Hereditary breast cancer; BREAST CANCER, FAMILIAL. Identifiers: Orphanet 227535, MedGen C0346153, MONDO:0016419, OMIM 114480. Disease mechanism: loss of function.
Hereditary cancer-predisposing syndrome. Also called: Neoplastic Syndromes, Hereditary; Hereditary neoplastic syndrome; Hereditary Cancer Syndrome; Tumor predisposition. Identifiers: Orphanet 140162, MedGen C0027672, MeSH D009386, MONDO:0015356.
Ataxia-telangiectasia syndrome (AT). Also called: Ataxia-telangiectasia, complementation group D; Ataxia-telangiectasia, complementation group E; LOUIS-BAR SYNDROME; AT, COMPLEMENTATION GROUP C; ATAXIA-TELANGIECTASIA, COMPLEMENTATION GROUP A; ATAXIA-TELANGIECTASIA, FRESNO VARIANT. Identifiers: Orphanet 100, MedGen C0004135, MONDO:0008840, OMIM 208900.

Allele frequency attached by ClinVar (database versions not stated): ExAC 0.00006; gnomAD 0.00002 and below 0.00001; gnomAD exomes 0.00003 and 0.00004.
gnomAD v4.1: 54 of 1,610,260 alleles (0.0034%); highest among the groups gnomAD compares: Middle Eastern, 0.066%; 1 homozygote.

Submissions (6):

Labcorp Genetics (formerly Invitae), Labcorp
Classification: Likely benign for Ataxia-telangiectasia syndrome. Last evaluated: 2026-01-25. Review status: criteria provided, single submitter. Criteria: Invitae Variant Classification Sherloc (09022015). Collection method: clinical testing. Allele origin: germline.

KCCC/NGS Laboratory, Kuwait Cancer Control Center
Classification: Benign for Familial cancer of breast. Last evaluated: 2025-02-01. Review status: criteria provided, single submitter. Criteria: ACMG Guidelines, 2015. Collection method: clinical testing. Allele origin: germline. Affected: no.

Blueprint Genetics
Classification: Likely benign. Last evaluated: 2024-09-16. Review status: criteria provided, single submitter. Criteria: ACMG Guidelines, 2015. Collection method: clinical testing. Allele origin: germline.

Color Diagnostics, LLC DBA Color Health
Classification: Likely benign for Hereditary cancer-predisposing syndrome. Last evaluated: 2017-10-14. Review status: criteria provided, single submitter. Criteria: ACMG Guidelines, 2015. Collection method: clinical testing. Allele origin: germline.

GeneDx
Classification: Likely benign. Last evaluated: 2017-07-05. Review status: criteria provided, single submitter. Criteria: GeneDx Variant Classification (06012015). Collection method: clinical testing. Allele origin: germline. Affected: yes.
Comment: This variant is considered likely benign or benign based on one or more of the following criteria: it is a conservative change, it occurs at a poorly conserved position in the protein, it is predicted to be benign by multiple in silico algorithms, and/or has population frequency not consistent with disease.

Counsyl
Classification: Likely benign for Ataxia-telangiectasia syndrome. Last evaluated: 2018-02-06. Review status: no assertion criteria provided. Collection method: clinical testing. Allele origin: unknown. Not counted in ClinVar's aggregate classification.